The following is an entry in ClinVar:

ClinVar aggregate classification (germline): Likely benign. Review status: criteria provided, multiple submitters, no conflicts (2 of 4 stars). 3 submissions from 3 submitters: Likely benign (3). Last evaluated 2025-10-21.

Conditions:
Hereditary cancer-predisposing syndrome. Also called: Hereditary neoplastic syndrome; Tumor predisposition; Neoplastic Syndromes, Hereditary; Hereditary Cancer Syndrome. Identifiers: Orphanet 140162, MedGen C0027672, MeSH D009386, MONDO:0015356.
Ataxia-telangiectasia syndrome (AT). Also called: LOUIS-BAR SYNDROME; ATAXIA-TELANGIECTASIA, COMPLEMENTATION GROUP A; ATAXIA-TELANGIECTASIA, FRESNO VARIANT; Ataxia-telangiectasia; Ataxia telangiectasia (A-T); Cerebello-oculocutaneous telangiectasia. Identifiers: Orphanet 100, MedGen C0004135, MONDO:0008840, OMIM 208900.

Allele frequency attached by ClinVar (database versions not stated): gnomAD 0.00001; gnomAD exomes 0.00001; TOPMed 0.00001.
gnomAD v4.1: 17 of 1,613,408 alleles (0.0011%); highest among the groups gnomAD compares: Non-Finnish European, 0.0014%; no homozygotes.

Submissions (3):

Labcorp Genetics (formerly Invitae), Labcorp
Classification: Likely benign for Ataxia-telangiectasia syndrome. Last evaluated: 2025-10-21. Review status: criteria provided, single submitter. Criteria: Invitae Variant Classification Sherloc (09022015). Collection method: clinical testing. Allele origin: germline.

Color Diagnostics, LLC DBA Color Health
Classification: Likely benign for Hereditary cancer-predisposing syndrome. Last evaluated: 2019-04-08. Review status: criteria provided, single submitter. Criteria: ACMG Guidelines, 2015. Collection method: clinical testing. Allele origin: germline.

GeneDx
Classification: Likely benign. Last evaluated: 2016-01-27. Review status: criteria provided, single submitter. Criteria: GeneDx Variant Classification (06012015). Collection method: clinical testing. Allele origin: germline. Affected: yes.
Comment: This variant is considered likely benign or benign based on one or more of the following criteria: it is a conservative change, it occurs at a poorly conserved position in the protein, it is predicted to be benign by multiple in silico algorithms, and/or has population frequency not consistent with disease.

NM_000051.4(ATM):c.2921+15C>A

Gene: ATM (ATM serine/threonine kinase; plus strand). Cytogenetic location: 11q22.3.
Variant type: single nucleotide variant.
Coding change: c.2921+15C>A on transcript NM_000051.4 (MANE Select); 15 bases into the intron after coding-DNA position 2921, C replaced by A.
Molecular consequence: intron variant.
Genome position (GRCh38, 1-based): chr11:108,271,161, C>A. VCF-style: chr11-108271161-C-A. GRCh37 (hg19) VCF-style: chr11-108141888-C-A.
Other names: c.2921+15C>A (NM_001351834.2).
Identifiers: ClinVar variation 383418 (VCV000383418.11), dbSNP rs1057521619, ClinGen allele CA16606802.
Genomic context (GRCh38, chr11:108,271,161, plus strand): 5'-ACCCCTTGCCAATGGAAGATGTTCTTGAACTTCTGAAACCACTATCGTAAGAAATTAAAA[C>A]CTTATGTTATGTTCACTTTAAAGTTATAAAATAACTGATGTGTTCTGTTAAGCTTATAAA-3'